The following is an entry in ClinVar:

ClinVar aggregate classification (germline): Likely benign (1 of 4 stars; one submission).

Conditions:
TMEM67-related disorder. Also called: TMEM67-related condition; TMEM67-related disorders. Identifiers: MedGen CN239423.

Submission:

PreventionGenetics, part of Exact Sciences
Classification: Likely benign for TMEM67-related condition. Last evaluated: 2026-06-18. Review status: criteria provided, single submitter. Criteria: ACMG Guidelines, 2015. Collection method: clinical testing. Allele origin: germline.
Comment: This variant is classified as likely benign based on ACMG/AMP sequence variant interpretation guidelines (Richards et al. 2015 PMID: 25741868, with internal and published modifications).

NM_153704.6(TMEM67):c.1518+6T>C

Gene: TMEM67 (transmembrane protein 67; plus strand). Cytogenetic location: 8q22.1.
Variant type: single nucleotide variant.
Coding change: c.1518+6T>C on transcript NM_153704.6 (MANE Select); 6 bases into the intron after coding-DNA position 1518, T replaced by C.
Molecular consequence: intron variant.
Genome position (GRCh38, 1-based): chr8:93,787,955, T>C. VCF-style: chr8-93787955-T-C. GRCh37 (hg19) VCF-style: chr8-94800183-T-C.
Other names: c.1275+6T>C (NM_001142301.1).
Identifiers: ClinVar variation 4995798 (VCV004995798.1).